The following is an entry in ClinVar:

ClinVar aggregate classification (germline): Likely pathogenic (1 of 4 stars; one submission).

Conditions:
Dilated cardiomyopathy 1G (CMD1G). Identifiers: Orphanet 154, MedGen C1858763, MONDO:0011400, OMIM 604145.
Autosomal recessive limb-girdle muscular dystrophy type 2J (LGMDR10). Also called: Limb-girdle muscular dystrophy, type 2J; MUSCULAR DYSTROPHY, LIMB-GIRDLE, AUTOSOMAL RECESSIVE 10. Identifiers: Orphanet 140922, MedGen C1837342, MONDO:0012127, OMIM 608807.

Submission:

Labcorp Genetics (formerly Invitae), Labcorp
Classification: Likely pathogenic for Dilated cardiomyopathy 1G; Autosomal recessive limb-girdle muscular dystrophy type 2J. Last evaluated: 2024-05-08. Review status: criteria provided, single submitter. Criteria: Invitae Variant Classification Sherloc (09022015). Collection method: clinical testing. Allele origin: germline.
Comment: This sequence change creates a premature translational stop signal (p.Trp23945*) in the TTN gene. While this is not anticipated to result in nonsense mediated decay, it is expected to create a truncated TTN protein. This variant is not present in population databases (gnomAD no frequency). This variant has not been reported in the literature in individuals affected with TTN-related conditions. ClinVar contains an entry for this variant (Variation ID: 1522366). This variant is located in the A band of TTN (PMID: 25589632). Truncating variants in this region are significantly overrepresented in patients affected with dilated cardiomyopathy (PMID: 25589632). Truncating variants in this region have also been reported in individuals affected with autosomal recessive centronuclear myopathy (PMID: 23975875). In summary, the currently available evidence indicates that the variant is pathogenic, but additional data are needed to prove that conclusively. Therefore, this variant has been classified as Likely Pathogenic.

Literature cited by the submitters: PubMed 25589632; PubMed 23975875.

NM_001267550.2(TTN):c.71835G>A (p.Trp23945Ter)

Genes: TTN (titin; minus strand), TTN-AS1 (TTN antisense RNA 1; plus strand). Cytogenetic location: 2q31.2.
Variant type: single nucleotide variant.
Coding change: c.71835G>A on transcript NM_001267550.2 (MANE Select); coding-DNA position 71835, G replaced by A.
Protein change: p.Trp23945Ter; replaces tryptophan 23945 with a stop codon.
Molecular consequence: nonsense.
Genome position (GRCh38, 1-based): chr2:178,574,297, C>T on the plus strand (G>A on the coding strand, the complement: TTN is on the minus strand). VCF-style: chr2-178574297-C-T. GRCh37 (hg19) VCF-style: chr2-179439024-C-T.
Other names: c.66912G>A, p.Trp22304Ter (NM_001256850.1); c.44640G>A, p.Trp14880Ter (NM_003319.4); c.64131G>A, p.Trp21377Ter (NM_133378.4); c.45015G>A, p.Trp15005Ter (NM_133432.3); c.45216G>A, p.Trp15072Ter (NM_133437.4); short protein forms W14880*, W15072*, W21377*, W15005*, W22304*, W23945*.
Identifiers: ClinVar variation 1522366 (VCV001522366.6), dbSNP rs1217858818, ClinGen allele CA349650413.